The following is an entry in ClinVar:

NM_001042492.3(NF1):c.5332T>C (p.Phe1778Leu)

Gene: NF1 (neurofibromin 1; plus strand). Cytogenetic location: 17q11.2.
Variant type: single nucleotide variant.
Coding change: c.5332T>C on transcript NM_001042492.3 (MANE Select); coding-DNA position 5332, T replaced by C.
Protein change: p.Phe1778Leu; replaces phenylalanine 1778 with leucine.
Molecular consequence: missense variant.
Genome position (GRCh38, 1-based): chr17:31,327,562, T>C. VCF-style: chr17-31327562-T-C. GRCh37 (hg19) VCF-style: chr17-29654580-T-C.
Other names: c.5269T>C, p.Phe1757Leu (NM_000267.4); short protein forms F1778L, F1757L.
Identifiers: ClinVar variation 1746479 (VCV001746479.5), dbSNP rs2151541000, ClinGen allele CA399009172.

ClinVar aggregate classification (germline): Uncertain significance. Review status: criteria provided, multiple submitters, no conflicts (2 of 4 stars). 2 submissions from 2 submitters: Uncertain significance (2). Last evaluated 2025-05-05.

Conditions:
Cardiovascular phenotype. Identifiers: MedGen CN230736.
Hereditary cancer-predisposing syndrome. Also called: Neoplastic Syndromes, Hereditary; Tumor predisposition; Hereditary Cancer Syndrome; Hereditary neoplastic syndrome. Identifiers: Orphanet 140162, MedGen C0027672, MeSH D009386, MONDO:0015356.
Neurofibromatosis, type 1 (NF1). Also called: VON RECKLINGHAUSEN DISEASE; NEUROFIBROMATOSIS, TYPE I, SOMATIC; Neurofibromatosis, type I; Peripheral type neurofibromatosis. Identifiers: Orphanet 636, MedGen C0027831, MONDO:0018975, OMIM 162200. Disease mechanism: loss of function.

Allele frequency attached by ClinVar (database versions not stated): gnomAD exomes below 0.00001.
gnomAD v4.1: 1 of 1,614,214 alleles (0.000062%); highest among the groups gnomAD compares: Non-Finnish European, 0.000085%; no homozygotes.

Submissions (2):

Labcorp Genetics (formerly Invitae), Labcorp
Classification: Uncertain significance for Neurofibromatosis, type 1. Last evaluated: 2025-05-05. Review status: criteria provided, single submitter. Criteria: Invitae Variant Classification Sherloc (09022015). Collection method: clinical testing. Allele origin: germline.
Comment: This sequence change replaces phenylalanine, which is neutral and non-polar, with leucine, which is neutral and non-polar, at codon 1757 of the NF1 protein (p.Phe1757Leu). This variant is not present in population databases (gnomAD no frequency). This variant has not been reported in the literature in individuals affected with NF1-related conditions. ClinVar contains an entry for this variant (Variation ID: 1746479). Invitae Evidence Modeling of protein sequence and biophysical properties (such as structural, functional, and spatial information, amino acid conservation, physicochemical variation, residue mobility, and thermodynamic stability) has been performed for this missense variant. However, the output from this modeling did not meet the statistical confidence thresholds required to predict the impact of this variant on NF1 protein function. In summary, the available evidence is currently insufficient to determine the role of this variant in disease. Therefore, it has been classified as a Variant of Uncertain Significance.

Ambry Genetics
Classification: Uncertain significance for Cardiovascular phenotype; Hereditary cancer-predisposing syndrome. Last evaluated: 2022-06-07. Review status: criteria provided, single submitter. Criteria: Ambry Variant Classification Scheme 2023. Collection method: clinical testing. Allele origin: germline.
Comment: The p.F1757L variant (also known as c.5269T>C), located in coding exon 37 of the NF1 gene, results from a T to C substitution at nucleotide position 5269. The phenylalanine at codon 1757 is replaced by leucine, an amino acid with highly similar properties. This amino acid position is conserved. In addition, the in silico prediction for this alteration is inconclusive. Since supporting evidence is limited at this time, the clinical significance of this alteration remains unclear.